The following is an entry in ClinVar:

NM_000540.3(RYR1):c.2688G>C (p.Arg896=)

Gene: RYR1 (ryanodine receptor 1; plus strand). Cytogenetic location: 19q13.2.
Variant type: single nucleotide variant.
Coding change: c.2688G>C on transcript NM_000540.3 (MANE Select); coding-DNA position 2688, G replaced by C.
Protein change: p.Arg896=; no amino-acid change (arginine 896 retained).
Molecular consequence: synonymous variant.
Genome position (GRCh38, 1-based): chr19:38,463,752, G>C. VCF-style: chr19-38463752-G-C. GRCh37 (hg19) VCF-style: chr19-38954392-G-C.
Other names: c.2688G>C, p.Arg896= (NM_001042723.2).
Identifiers: ClinVar variation 1154040 (VCV001154040.10), dbSNP rs756136148, ClinGen allele CA507233575.

ClinVar aggregate classification (germline): Likely benign. Review status: criteria provided, multiple submitters, no conflicts (2 of 4 stars). 2 submissions from 2 submitters: Likely benign (2). Last evaluated 2023-12-13.

Conditions:
RYR1-related disorder. Also called: RYR1-related condition; RYR1-related disorders. Identifiers: MedGen CN239331.
Malignant hyperthermia, susceptibility to, 1 (MHS1). Also called: Anesthesia related hyperthermia; Malignant hyperpyrexia; Fulminating hyperpyrexia; Pharmacogenic myopathy; Malignant hyperthermia suceptibility 1; RYR1-Related Malignant Hyperthermia Susceptibility. Identifiers: Orphanet 423, MedGen C2930980, MONDO:0007783, OMIM 145600.

Submissions (2):

All of Us Research Program, National Institutes of Health
Classification: Likely benign for Malignant hyperthermia, susceptibility to, 1. Last evaluated: 2023-12-13. Review status: criteria provided, single submitter. Criteria: ACMG Guidelines, 2015. Collection method: clinical testing. Allele origin: germline. Inheritance: Autosomal dominant inheritance. Observed: 1 variant allele, 1 heterozygote.
Comment: This study involves interpretation of variants in research participants for the purpose of population health screening. Participant phenotype was not available at the time of variant classification. Additional details can be found in publication PMID: 35346344, PMCID: PMC8962531

Labcorp Genetics (formerly Invitae), Labcorp
Classification: Likely benign for RYR1-related disorder. Last evaluated: 2020-02-18. Review status: criteria provided, single submitter. Criteria: Invitae Variant Classification Sherloc (09022015). Collection method: clinical testing. Allele origin: germline.